The following is an entry in ClinVar:

NM_024652.6(LRRK1):c.1122T>C (p.Thr374=)

Gene: LRRK1 (leucine rich repeat kinase 1; plus strand). Cytogenetic location: 15q26.3.
Variant type: single nucleotide variant.
Coding change: c.1122T>C on transcript NM_024652.6 (MANE Select); coding-DNA position 1122, T replaced by C.
Protein change: p.Thr374=; no amino-acid change (threonine 374 retained).
Molecular consequence: synonymous variant.
Genome position (GRCh38, 1-based): chr15:101,010,678, T>C. VCF-style: chr15-101010678-T-C. GRCh37 (hg19) VCF-style: chr15-101550883-T-C.
Identifiers: ClinVar variation 4085098 (VCV004085098.8).

ClinVar aggregate classification (germline): Likely benign (1 of 4 stars; one submission).

Submission:

CeGaT Center for Human Genetics Tuebingen
Classification: Likely benign. Last evaluated: 2025-07-01. Review status: criteria provided, single submitter. Criteria: CeGaT Center For Human Genetics Tuebingen Variant Classification Criteria Version 2. Collection method: clinical testing. Allele origin: germline. Affected: yes. Observed: 1 variant allele.
Comment: LRRK1: PM2:Supporting, BP4, BP7